The following is an entry in ClinVar:

NM_001134363.3(RBM20):c.141_161del (p.Pro48_Pro54del)

Gene: RBM20 (RNA binding motif protein 20; plus strand). Cytogenetic location: 10q25.2.
Variant type: Deletion.
Coding change: c.141_161del on transcript NM_001134363.3 (MANE Select); coding-DNA positions 141 to 161, 21 bases deleted (GCCCCAGCCACCGCCCCCGCC).
Protein change: p.Pro48_Pro54del.
Molecular consequence: inframe deletion.
Genome position (GRCh38, 1-based): chr10:110,644,595-110,644,615, GCCCCAGCCACCGCCCCCGCC deleted; deleting any 21 consecutive bases within chr10:110,644,590-110,644,615 gives the same sequence; the c. name uses the placement nearest the transcript's 3' end. VCF-style (leftmost placement, unchanged base first): chr10-110644589-GCCGCCGCCCCAGCCACCGCCC-G. GRCh37 (hg19) VCF-style: chr10-112404347-GCCGCCGCCCCAGCCACCGCCC-G.
Identifiers: ClinVar variation 806568 (VCV000806568.54), dbSNP rs1286990478, ClinGen allele CA596022012.

ClinVar aggregate classification (germline): Uncertain significance. Review status: criteria provided, multiple submitters, no conflicts (2 of 4 stars). 4 submissions from 4 submitters: Uncertain significance (4). Last evaluated 2026-01-27.

Conditions:
Dilated cardiomyopathy 1DD (CMD1DD). Identifiers: Orphanet 154, MedGen C2750995, MONDO:0013168, OMIM 613172.
Cardiovascular phenotype. Identifiers: MedGen CN230736.

Submissions (4):

Labcorp Genetics (formerly Invitae), Labcorp
Classification: Uncertain significance for Dilated cardiomyopathy 1DD. Last evaluated: 2026-01-27. Review status: criteria provided, single submitter. Criteria: Invitae Variant Classification Sherloc (09022015). Collection method: clinical testing. Allele origin: germline.
Comment: This variant, c.141_161del, results in the deletion of 7 amino acid(s) of the RBM20 protein (p.Pro48_Pro54del), but otherwise preserves the integrity of the reading frame. This variant is present in population databases (no rsID available, gnomAD 0.009%). This variant has not been reported in the literature in individuals affected with RBM20-related conditions. ClinVar contains an entry for this variant (Variation ID: 806568). Experimental studies and prediction algorithms are not available or were not evaluated, and the functional significance of this variant is currently unknown. In summary, the available evidence is currently insufficient to determine the role of this variant in disease. Therefore, it has been classified as a Variant of Uncertain Significance.

Ambry Genetics
Classification: Uncertain significance for Cardiovascular phenotype. Last evaluated: 2024-11-06. Review status: criteria provided, single submitter. Criteria: Ambry Variant Classification Scheme 2023. Collection method: clinical testing. Allele origin: germline.
Comment: The c.141_161del21 variant (also known as p.P48_P54del) is located in coding exon 1 of the RBM20 gene. This variant results from an in-frame GCCCCAGCCACCGCCCCCGCC deletion at nucleotide positions 141 to 161. This results in the in-frame deletion of seven amino acids from codons 48 to 54. This amino acid positions range from highly conserved to poorly conserved in available vertebrate species. In addition, the in silico prediction for this alteration is inconclusive (Choi Y et al. PLoS ONE. 2012; 7(10):e46688). Since supporting evidence is limited at this time, the clinical significance of this alteration remains unclear.

Blueprint Genetics
Classification: Uncertain significance. Last evaluated: 2024-03-28. Review status: criteria provided, single submitter. Criteria: ACMG Guidelines, 2015. Collection method: clinical testing. Allele origin: germline.

CeGaT Center for Human Genetics Tuebingen
Classification: Uncertain significance. Last evaluated: 2019-03-01. Review status: criteria provided, single submitter. Criteria: CeGaT Center For Human Genetics Tuebingen Variant Classification Criteria Version 2. Collection method: clinical testing. Allele origin: germline. Affected: yes. Observed: 1 variant allele.